The following is an entry in ClinVar:

NM_000368.5(TSC1):c.1669C>A (p.Leu557Met)

Gene: TSC1 (TSC complex subunit 1; minus strand). Cytogenetic location: 9q34.13.
Variant type: single nucleotide variant.
Coding change: c.1669C>A on transcript NM_000368.5 (MANE Select); coding-DNA position 1669, C replaced by A.
Protein change: p.Leu557Met; replaces leucine 557 with methionine.
Molecular consequence: missense variant. On other transcripts: non-coding transcript variant (5).
Genome position (GRCh38, 1-based): chr9:132,905,909, G>T on the plus strand (C>A on the coding strand, the complement: TSC1 is on the minus strand). VCF-style: chr9-132905909-G-T. GRCh37 (hg19) VCF-style: chr9-135781296-G-T.
Other names: c.616C>A, p.Leu206Met (NM_001406630.1, NM_001406629.1); c.1669C>A, p.Leu557Met (NM_001406592.1, NM_001406593.1, NM_001406594.1 and 7 more transcripts); c.1513C>A, p.Leu505Met (NM_001406611.1, NM_001406612.1, NM_001406613.1); c.1666C>A, p.Leu556Met (NM_001406597.1, NM_001406598.1, NM_001406599.1 and 6 more transcripts); c.1306C>A, p.Leu436Met (NM_001406614.1, NM_001406615.1, NM_001406616.1 and 5 more transcripts); c.1516C>A, p.Leu506Met (NM_001162427.2, NM_001406610.1); c.1303C>A, p.Leu435Met (NM_001406620.1, NM_001406621.1, NM_001406622.1 and 2 more transcripts); c.718C>A, p.Leu240Met (NM_001406626.1); and 1 more; short protein forms L239M, L435M, L436M, L506M, L505M, L556M, L557M, L206M.
Identifiers: ClinVar variation 4844225 (VCV004844225.1).

ClinVar aggregate classification (germline): Uncertain significance (1 of 4 stars; one submission).

Conditions:
Hereditary cancer-predisposing syndrome. Also called: Neoplastic Syndromes, Hereditary; Tumor predisposition; Hereditary Cancer Syndrome; Hereditary neoplastic syndrome. Identifiers: Orphanet 140162, MedGen C0027672, MeSH D009386, MONDO:0015356.

Submission:

Ambry Genetics
Classification: Uncertain significance for Hereditary cancer-predisposing syndrome. Last evaluated: 2026-01-22. Review status: criteria provided, single submitter. Criteria: Ambry Variant Classification Scheme 2023. Collection method: clinical testing. Allele origin: germline.
Comment: The p.L557M variant (also known as c.1669C>A), located in coding exon 13 of the TSC1 gene, results from a C to A substitution at nucleotide position 1669. The leucine at codon 557 is replaced by methionine, an amino acid with highly similar properties. This amino acid position is conserved. In addition, this alteration is predicted to be tolerated by in silico analysis. Based on the available evidence, the clinical significance of this variant remains unclear.